The following is an entry in ClinVar:

NM_003072.5(SMARCA4):c.1273C>T (p.Arg425Trp)

Gene: SMARCA4 (SWI/SNF related BAF chromatin remodeling complex subunit ATPase 4; plus strand). Cytogenetic location: 19p13.2.
Variant type: single nucleotide variant.
Coding change: c.1273C>T on transcript NM_003072.5 (MANE Select); coding-DNA position 1273, C replaced by T.
Protein change: p.Arg425Trp; replaces arginine 425 with tryptophan.
Molecular consequence: missense variant. On other transcripts: non-coding transcript variant (1).
Genome position (GRCh38, 1-based): chr19:10,991,177, C>T. VCF-style: chr19-10991177-C-T. GRCh37 (hg19) VCF-style: chr19-11101853-C-T.
Other names: c.1273C>T (NM_001128849.1); c.1273C>T, p.Arg425Trp (NM_001128844.3, NM_001128845.2, NM_001128846.2 and 5 more transcripts); short protein forms R425W.
Identifiers: ClinVar variation 1294426 (VCV001294426.14), dbSNP rs2145878488, ClinGen allele CA404060550.

ClinVar aggregate classification (germline): Uncertain significance. Review status: criteria provided, multiple submitters, no conflicts (2 of 4 stars). 4 submissions from 4 submitters: Uncertain significance (4). Last evaluated 2025-04-11.

Conditions:
Hereditary cancer-predisposing syndrome. Also called: Tumor predisposition; Hereditary neoplastic syndrome; Neoplastic Syndromes, Hereditary; Hereditary Cancer Syndrome. Identifiers: Orphanet 140162, MedGen C0027672, MeSH D009386, MONDO:0015356.
Intellectual disability, autosomal dominant 16 (CSS4). Also called: COFFIN-SIRIS SYNDROME 4. Identifiers: Orphanet 1465, MedGen C3553249, MONDO:0013821, OMIM 614609.
Rhabdoid tumor predisposition syndrome 2 (RTPS2). Identifiers: Orphanet 231108, Orphanet 69077, MedGen C2750074, MONDO:0013224, OMIM 613325.

Allele frequency attached by ClinVar (database versions not stated): gnomAD exomes below 0.00001.
gnomAD v4.1: 1 of 1,613,800 alleles (0.000062%); no homozygotes.

Submissions (4):

Ambry Genetics
Classification: Uncertain significance for Hereditary cancer-predisposing syndrome. Last evaluated: 2025-04-11. Review status: criteria provided, single submitter. Criteria: Ambry Variant Classification Scheme 2023. Collection method: clinical testing. Allele origin: germline.
Comment: The p.R425W variant (also known as c.1273C>T), located in coding exon 7 of the SMARCA4 gene, results from a C to T substitution at nucleotide position 1273. The arginine at codon 425 is replaced by tryptophan, an amino acid with dissimilar properties. This amino acid position is highly conserved in available vertebrate species. In addition, the in silico prediction for this alteration is inconclusive. Based on the available evidence, the clinical significance of this variant remains unclear.

Labcorp Genetics (formerly Invitae), Labcorp
Classification: Uncertain significance for Rhabdoid tumor predisposition syndrome 2. Last evaluated: 2024-02-26. Review status: criteria provided, single submitter. Criteria: Invitae Variant Classification Sherloc (09022015). Collection method: clinical testing. Allele origin: germline.
Comment: This sequence change replaces arginine, which is basic and polar, with tryptophan, which is neutral and slightly polar, at codon 425 of the SMARCA4 protein (p.Arg425Trp). This variant is not present in population databases (gnomAD no frequency). This variant has not been reported in the literature in individuals affected with SMARCA4-related conditions. ClinVar contains an entry for this variant (Variation ID: 1294426). Advanced modeling of protein sequence and biophysical properties (such as structural, functional, and spatial information, amino acid conservation, physicochemical variation, residue mobility, and thermodynamic stability) has been performed at Invitae for this missense variant, however the output from this modeling did not meet the statistical confidence thresholds required to predict the impact of this variant on SMARCA4 protein function. In summary, the available evidence is currently insufficient to determine the role of this variant in disease. Therefore, it has been classified as a Variant of Uncertain Significance.

GeneDx
Classification: Uncertain significance. Last evaluated: 2023-09-14. Review status: criteria provided, single submitter. Criteria: GeneDx Variant Classification Process June 2021. Collection method: clinical testing. Allele origin: germline. Affected: yes.
Comment: Not observed at significant frequency in large population cohorts (gnomAD); In silico analysis supports that this missense variant has a deleterious effect on protein structure/function; Observed in two individuals with intellectual disability (Qian et al., 2022); This variant is associated with the following publications: (PMID: 34813034)

Center for Molecular Medicine, Children’s Hospital of Fudan University
Classification: Uncertain significance for Intellectual disability, autosomal dominant 16. Last evaluated: 2021-04-20. Review status: criteria provided, single submitter. Criteria: ACMG Guidelines, 2015. Collection method: clinical testing. Allele origin: unknown. Affected: yes. Observed: 2 variant alleles.